The following is an entry in ClinVar:

NM_016562.4(TLR7):c.2453G>T (p.Gly818Val)

Gene: TLR7 (toll like receptor 7; plus strand). Cytogenetic location: Xp22.2.
Variant type: single nucleotide variant.
Coding change: c.2453G>T on transcript NM_016562.4 (MANE Select); coding-DNA position 2453, G replaced by T.
Protein change: p.Gly818Val; replaces glycine 818 with valine.
Molecular consequence: missense variant.
Genome position (GRCh38, 1-based): chrX:12,887,961, G>T. VCF-style: chrX-12887961-G-T. GRCh37 (hg19) VCF-style: chrX-12906080-G-T.
Other names: short protein forms G818V.
Identifiers: ClinVar variation 2748247 (VCV002748247.3), dbSNP rs2518439144, ClinGen allele CA412410591.

ClinVar aggregate classification (germline): Uncertain significance (1 of 4 stars; one submission).

Submission:

Labcorp Genetics (formerly Invitae), Labcorp
Classification: Uncertain significance. Last evaluated: 2023-07-29. Review status: criteria provided, single submitter. Criteria: Invitae Variant Classification Sherloc (09022015). Collection method: clinical testing. Allele origin: germline.
Comment: This sequence change replaces glycine, which is neutral and non-polar, with valine, which is neutral and non-polar, at codon 818 of the TLR7 protein (p.Gly818Val). This variant is not present in population databases (gnomAD no frequency). This variant has not been reported in the literature in individuals affected with TLR7-related conditions. An algorithm developed to predict the effect of missense changes on protein structure and function (PolyPhen-2) suggests that this variant is likely to be disruptive. In summary, the available evidence is currently insufficient to determine the role of this variant in disease. Therefore, it has been classified as a Variant of Uncertain Significance.